The following is an entry in ClinVar:

NM_001710.6(CFB):c.783C>G (p.Ile261Met)

Gene: CFB (complement factor B; plus strand). Cytogenetic location: 6p21.33.
Variant type: single nucleotide variant.
Coding change: c.783C>G on transcript NM_001710.6 (MANE Select); coding-DNA position 783, C replaced by G.
Protein change: p.Ile261Met; replaces isoleucine 261 with methionine.
Molecular consequence: missense variant.
Genome position (GRCh38, 1-based): chr6:31,947,967, C>G. VCF-style: chr6-31947967-C-G. GRCh37 (hg19) VCF-style: chr6-31915744-C-G.
Other names: short protein forms I261M.
Identifiers: ClinVar variation 2104688 (VCV002104688.4), dbSNP rs113410938, ClinGen allele CA363395696.

ClinVar aggregate classification (germline): Uncertain significance (1 of 4 stars; one submission).

Submission:

Labcorp Genetics (formerly Invitae), Labcorp
Classification: Uncertain significance. Last evaluated: 2022-10-04. Review status: criteria provided, single submitter. Criteria: Invitae Variant Classification Sherloc (09022015). Collection method: clinical testing. Allele origin: germline.
Comment: This sequence change replaces isoleucine, which is neutral and non-polar, with methionine, which is neutral and non-polar, at codon 261 of the CFB protein (p.Ile261Met). This variant is not present in population databases (gnomAD no frequency). This variant has not been reported in the literature in individuals affected with CFB-related conditions. Advanced modeling of protein sequence and biophysical properties (such as structural, functional, and spatial information, amino acid conservation, physicochemical variation, residue mobility, and thermodynamic stability) performed at Invitae indicates that this missense variant is not expected to disrupt CFB protein function. In summary, the available evidence is currently insufficient to determine the role of this variant in disease. Therefore, it has been classified as a Variant of Uncertain Significance.